The following is an entry in ClinVar:

ClinVar aggregate classification (germline): not provided (0 of 4 stars; one submission).

Allele frequency attached by ClinVar (database versions not stated): gnomAD 0.00001; TOPMed 0.00001; gnomAD exomes 0.00001; ExAC 0.00001.
gnomAD v4.1: 10 of 1,609,852 alleles (0.00062%); highest among the groups gnomAD compares: Non-Finnish European, 0.00076%; no homozygotes.

Submission:

ITMI
No classification provided. Condition: AllHighlyPenetrant. Last evaluated: 2013-09-19. Review status: no classification provided. Collection method: reference population. Allele origin: germline.
Comment: Please see associated publication for description of ethnicities

Literature cited by the submitters: PubMed 24728327.

NM_000534.5(PMS1):c.2058T>G (p.Ile686Met)

Gene: PMS1 (PMS1 homolog 1, mismatch repair system component; plus strand). Cytogenetic location: 2q32.2.
Variant type: single nucleotide variant.
Coding change: c.2058T>G on transcript NM_000534.5 (MANE Select); coding-DNA position 2058, T replaced by G.
Protein change: p.Ile686Met; replaces isoleucine 686 with methionine.
Molecular consequence: missense variant. On other transcripts: non-coding transcript variant (1), intron variant (2).
Genome position (GRCh38, 1-based): chr2:189,863,944, T>G. VCF-style: chr2-189863944-T-G. GRCh37 (hg19) VCF-style: chr2-190728670-T-G.
Other names: c.1941T>G, p.Ile647Met (NM_001128143.2); c.1530T>G, p.Ile510Met (NM_001289408.2, NM_001289409.2); c.2058T>G, p.Ile686Met (NM_001321045.2, NM_001321047.2, NM_001321048.2); c.1875T>G, p.Ile625Met (NM_001321046.2); c.1857-3855T>G (NM_001128144.2); c.1740-3855T>G (NM_001321044.2); short protein forms I686M, I625M, I510M, I647M.
Identifiers: ClinVar variation 135061 (VCV000135061.1), dbSNP rs587778614, ClinGen allele CA161555.
Genomic context (GRCh38, chr2:189,863,944, plus strand): 5'-CAAGTTAAAAACCTCATTATCTAATCAACCAAAACTTGATGAACTCCTTCAGTCCCAAAT[T>G]GAAAAAAGAAGGAGTCAAAATATTAAAATGGTACAGATCCCCTTTTCTATGAAAAACTTA-3'
Protein context (NP_000525.1, residues 676-696): PKLDELLQSQ[Ile686Met]EKRRSQNIKM